The following is an entry in ClinVar:

NM_022132.5(MCCC2):c.250A>G (p.Arg84Gly)

Gene: MCCC2 (methylcrotonyl-CoA carboxylase subunit 2; plus strand). Cytogenetic location: 5q13.2.
Variant type: single nucleotide variant.
Coding change: c.250A>G on transcript NM_022132.5 (MANE Select); coding-DNA position 250, A replaced by G.
Protein change: p.Arg84Gly; replaces arginine 84 with glycine.
Molecular consequence: missense variant.
Genome position (GRCh38, 1-based): chr5:71,596,333, A>G. VCF-style: chr5-71596333-A-G. GRCh37 (hg19) VCF-style: chr5-70892160-A-G.
Other names: c.250A>G, p.Arg84Gly (NM_001363147.1); short protein forms R84G.
Identifiers: ClinVar variation 963403 (VCV000963403.2), dbSNP rs1745187009, ClinGen allele CA360006071.

ClinVar aggregate classification (germline): Uncertain significance (1 of 4 stars; one submission).

Conditions:
3-methylcrotonyl-CoA carboxylase 2 deficiency. Also called: 3 alpha methylcrotonyl-CoA carboxylase 2 deficiency; 3 alpha methylcrotonylglycinuria 2; MCC 2 deficiency; Methylcrotonylglycinuria type 2; METHYLCROTONYLGLYCINURIA, TYPE II. Identifiers: Orphanet 6, MedGen C1859499, MONDO:0008862, OMIM 210210.

Allele frequency attached by ClinVar (database versions not stated): gnomAD exomes below 0.00001.
gnomAD v4.1: 6 of 1,614,200 alleles (0.00037%); highest among the groups gnomAD compares: South Asian, 0.0022%; no homozygotes.

Submission:

Labcorp Genetics (formerly Invitae), Labcorp
Classification: Uncertain significance for 3-methylcrotonyl-CoA carboxylase 2 deficiency. Last evaluated: 2019-07-29. Review status: criteria provided, single submitter. Criteria: Invitae Variant Classification Sherloc (09022015). Collection method: clinical testing. Allele origin: germline.
Comment: This sequence change replaces arginine with glycine at codon 84 of the MCCC2 protein (p.Arg84Gly). The arginine residue is highly conserved and there is a moderate physicochemical difference between arginine and glycine. This variant is not present in population databases (ExAC no frequency). This variant has not been reported in the literature in individuals with MCCC2-related conditions. Algorithms developed to predict the effect of missense changes on protein structure and function (SIFT, PolyPhen-2, Align-GVGD) all suggest that this variant is likely to be disruptive, but these predictions have not been confirmed by published functional studies and their clinical significance is uncertain. In summary, the available evidence is currently insufficient to determine the role of this variant in disease. Therefore, it has been classified as a Variant of Uncertain Significance.